The following is an entry in ClinVar:

NM_006767.4(LZTR1):c.652-83A>C

Gene: LZTR1 (leucine zipper like post translational regulator 1; plus strand). Cytogenetic location: 22q11.21.
Variant type: single nucleotide variant.
Coding change: c.652-83A>C on transcript NM_006767.4 (MANE Select); 83 bases into the intron before coding-DNA position 652, A replaced by C.
Molecular consequence: intron variant.
Genome position (GRCh38, 1-based): chr22:20,990,303, A>C. VCF-style: chr22-20990303-A-C. GRCh37 (hg19) VCF-style: chr22-21344592-A-C.
Identifiers: ClinVar variation 561410 (VCV000561410.2), dbSNP rs55660821, ClinGen allele CA14934942.

ClinVar aggregate classification (germline): Benign. Review status: criteria provided, multiple submitters, no conflicts (2 of 4 stars). 2 submissions from 2 submitters: Benign (2). Last evaluated 2018-06-14.

Allele frequency attached by ClinVar (database versions not stated): 1000 Genomes Project 0.42871; 1000 Genomes Project 30x 0.43395; gnomAD 0.47098; TOPMed 0.49766.
gnomAD v4.1: 692,741 of 1,460,370 alleles (47%); highest among the groups gnomAD compares: Admixed American, 52%; 167,547 homozygotes.

Submissions (2):

GeneDx
Classification: Benign. Last evaluated: 2018-06-14. Review status: criteria provided, single submitter. Criteria: GeneDx Variant Classification (06012015). Collection method: clinical testing. Allele origin: germline. Affected: yes.
Comment: This variant is considered likely benign or benign based on one or more of the following criteria: it is a conservative change, it occurs at a poorly conserved position in the protein, it is predicted to be benign by multiple in silico algorithms, and/or has population frequency not consistent with disease.

Breakthrough Genomics
Classification: Benign. Review status: criteria provided, single submitter. Criteria: ACMG Guidelines, 2015. Collection method: not provided. Allele origin: germline. Inheritance: Autosomal recessive inheritance. Affected: yes.